The following is an entry in ClinVar:

ClinVar aggregate classification (germline): Benign (0 of 4 stars; one submission).

Conditions:
PRKD1-related disorder. Also called: PRKD1-related condition.

Allele frequency attached by ClinVar (database versions not stated): gnomAD exomes 0.00390; ExAC 0.01164; gnomAD 0.02795; TOPMed 0.03051; ESP Exome Variant Server 0.03122; 1000 Genomes Project 0.03335; 1000 Genomes Project 30x 0.03342.
gnomAD v4.1: 10,313 of 1,614,166 alleles (0.64%); highest among the groups gnomAD compares: African/African-American, 8.8%; 329 homozygotes.

Submission:

PreventionGenetics, part of Exact Sciences
Classification: Benign for PRKD1-related condition. Last evaluated: 2019-11-07. Review status: no assertion criteria provided. Collection method: clinical testing. Allele origin: germline.
Comment: This variant is classified as benign based on ACMG/AMP sequence variant interpretation guidelines (Richards et al. 2015 PMID: 25741868, with internal and published modifications).

NM_002742.3(PRKD1):c.942G>A (p.Pro314=)

Gene: PRKD1 (protein kinase D1; minus strand). Cytogenetic location: 14q12.
Variant type: single nucleotide variant.
Coding change: c.942G>A on transcript NM_002742.3 (MANE Select); coding-DNA position 942, G replaced by A.
Protein change: p.Pro314=; no amino-acid change (proline 314 retained).
Molecular consequence: synonymous variant.
Genome position (GRCh38, 1-based): chr14:29,638,532, C>T on the plus strand (G>A on the coding strand, the complement: PRKD1 is on the minus strand). VCF-style: chr14-29638532-C-T. GRCh37 (hg19) VCF-style: chr14-30107738-C-T.
Other names: c.966G>A, p.Pro322= (NM_001330069.2); c.678G>A, p.Pro226= (NM_001348390.1).
Identifiers: ClinVar variation 3044767 (VCV003044767.2), dbSNP rs2273807, ClinGen allele CA7141320.